The following is an entry in ClinVar:

NM_000098.3(CPT2):c.1322T>G (p.Leu441Arg)

Gene: CPT2 (carnitine palmitoyltransferase 2; plus strand). Cytogenetic location: 1p32.3.
Variant type: single nucleotide variant.
Coding change: c.1322T>G on transcript NM_000098.3 (MANE Select); coding-DNA position 1322, T replaced by G.
Protein change: p.Leu441Arg; replaces leucine 441 with arginine.
Molecular consequence: missense variant.
Genome position (GRCh38, 1-based): chr1:53,210,996, T>G. VCF-style: chr1-53210996-T-G. GRCh37 (hg19) VCF-style: chr1-53676668-T-G.
Other names: c.1322T>G, p.Leu441Arg (NM_001330589.2); short protein forms L441R.
Identifiers: ClinVar variation 2227684 (VCV002227684.2), dbSNP rs2525589875, ClinGen allele CA340395061.

ClinVar aggregate classification (germline): Uncertain significance (1 of 4 stars; one submission).

Conditions:
Inborn genetic diseases. Identifiers: MedGen C0950123, MeSH D030342.

Submission:

Ambry Genetics
Classification: Uncertain significance for Inborn genetic diseases. Last evaluated: 2020-10-21. Review status: criteria provided, single submitter. Criteria: Ambry Variant Classification Scheme 2023. Collection method: clinical testing. Allele origin: germline.
Comment: The c.1322T>G (p.L441R) alteration is located in exon 4 (coding exon 4) of the CPT2 gene. This alteration results from a T to G substitution at nucleotide position 1322, causing the leucine (L) at amino acid position 441 to be replaced by an arginine (R). Based on data from the Genome Aggregation Database (gnomAD), the CPT2 c.1322T>G alteration was not observed, with coverage at this position. This amino acid position is highly conserved in available vertebrate species. The p.L441R alteration is predicted to be deleterious by in silico analysis. Based on insufficient or conflicting evidence, the clinical significance of this alteration remains unclear.